The following is an entry in ClinVar:

NM_153026.3(PRICKLE1):c.1359C>T (p.Thr453=)

Gene: PRICKLE1 (prickle planar cell polarity protein 1; minus strand). Cytogenetic location: 12q12.
Variant type: single nucleotide variant.
Coding change: c.1359C>T on transcript NM_153026.3 (MANE Select); coding-DNA position 1359, C replaced by T.
Protein change: p.Thr453=; no amino-acid change (threonine 453 retained).
Molecular consequence: synonymous variant.
Genome position (GRCh38, 1-based): chr12:42,464,675, G>A on the plus strand (C>T on the coding strand, the complement: PRICKLE1 is on the minus strand). VCF-style: chr12-42464675-G-A. GRCh37 (hg19) VCF-style: chr12-42858477-G-A.
Other names: c.1359C>T, p.Thr453= (NM_001144881.2, NM_001144882.2, NM_001144883.2).
Identifiers: ClinVar variation 382342 (VCV000382342.8), dbSNP rs772484365, ClinGen allele CA16606611.

ClinVar aggregate classification (germline): Likely benign. Review status: criteria provided, multiple submitters, no conflicts (2 of 4 stars). 2 submissions from 2 submitters: Likely benign (2). Last evaluated 2025-11-17.

Conditions:
Epilepsy, progressive myoclonic, 1B. Also called: PME. Identifiers: Orphanet 308, MedGen C2676254, MONDO:0012904, OMIM 612437.

Allele frequency attached by ClinVar (database versions not stated): TOPMed 0.00001; gnomAD 0.00002.
gnomAD v4.1: 24 of 1,613,756 alleles (0.0015%); highest among the groups gnomAD compares: South Asian, 0.0022%; no homozygotes.

Submissions (2):

Labcorp Genetics (formerly Invitae), Labcorp
Classification: Likely benign for Epilepsy, progressive myoclonic, 1B. Last evaluated: 2025-11-17. Review status: criteria provided, single submitter. Criteria: Invitae Variant Classification Sherloc (09022015). Collection method: clinical testing. Allele origin: germline.

GeneDx
Classification: Likely benign. Last evaluated: 2015-12-23. Review status: criteria provided, single submitter. Criteria: GeneDx Variant Classification (06012015). Collection method: clinical testing. Allele origin: germline. Affected: yes.
Comment: This variant is considered likely benign or benign based on one or more of the following criteria: it is a conservative change, it occurs at a poorly conserved position in the protein, it is predicted to be benign by multiple in silico algorithms, and/or has population frequency not consistent with disease.